The following is an entry in ClinVar:

NM_004562.3(PRKN):c.*320C>A

Gene: PRKN (parkin RBR E3 ubiquitin protein ligase; minus strand). Cytogenetic location: 6q26.
Variant type: single nucleotide variant.
Coding change: c.*320C>A on transcript NM_004562.3 (MANE Select); 320 bases downstream of the stop codon, C replaced by A.
Molecular consequence: 3 prime UTR variant.
Genome position (GRCh38, 1-based): chr6:161,349,779, G>T on the plus strand (C>A on the coding strand, the complement: PRKN is on the minus strand). VCF-style: chr6-161349779-G-T. GRCh37 (hg19) VCF-style: chr6-161770811-G-T.
Other names: c.*320C>A (NM_013987.3, NM_013988.3).
Identifiers: ClinVar variation 907163 (VCV000907163.7), dbSNP rs71653628, ClinGen allele CA151429431.
Genomic context (GRCh38, chr6:161,349,779, plus strand): 5'-CCTGTCTCGAATTCAGGTGAGAATGACCCATACAGATACATGGATTGCACTTGAATCTGT[G>T]CTCTGGTATTTGTGTCATCCGGAGGCTGAGAACGCCTGTTGGTGGTGTCGCAGATGGCTC-3'

ClinVar aggregate classification (germline): Benign. Review status: criteria provided, multiple submitters, no conflicts (2 of 4 stars). 2 submissions from 2 submitters: Benign (2). Last evaluated 2018-10-27.

Conditions:
Autosomal recessive juvenile Parkinson disease 2. Also called: Parkinson disease autosomal recessive, early onset; Juvenile parkinsonism; Parkinsonism, early onset, with diurnal fluctuation; PARKINSON DISEASE, JUVENILE, AUTOSOMAL RECESSIVE; Parkinson disease, juvenile, type 2; PRKN-Related Early-Onset Parkinson Disease. Identifiers: Orphanet 2828, MedGen C1868675, MONDO:0010820, OMIM 600116.

Allele frequency attached by ClinVar (database versions not stated): 1000 Genomes Project 0.02236; 1000 Genomes Project 30x 0.02280; TOPMed 0.03115; gnomAD 0.03812 and 0.03819.
gnomAD v4.1: 20,042 of 479,878 alleles (4.2%); highest among the groups gnomAD compares: Non-Finnish European, 5%; 584 homozygotes.

Submissions (2):

GeneDx
Classification: Benign. Last evaluated: 2018-10-27. Review status: criteria provided, single submitter. Criteria: GeneDx Variant Classification Process June 2021. Collection method: clinical testing. Allele origin: germline. Affected: yes.

Illumina Laboratory Services, Illumina
Classification: Benign for Autosomal recessive juvenile Parkinson disease 2. Last evaluated: 2017-04-27. Review status: criteria provided, single submitter. Criteria: ICSL Variant Classification Criteria 13 December 2019. Collection method: clinical testing. Allele origin: germline.
Comment: This variant was observed as part of a predisposition screen in an ostensibly healthy population. A literature search was performed for the gene, cDNA change, and amino acid change (where applicable). Publications were found based on this search. The evidence from the literature, in combination with allele frequency data from public databases where available, was sufficient to rule this variant out of causing disease. Therefore, this variant is classified as benign.

Literature cited by the submitters: PubMed 21322020 (cited by Illumina Laboratory Services, Illumina).